The following is an entry in ClinVar:

NM_000059.4(BRCA2):c.8693T>A (p.Leu2898Ter)

Gene: BRCA2 (BRCA2 DNA repair associated; plus strand). Cytogenetic location: 13q13.1.
Variant type: single nucleotide variant.
Coding change: c.8693T>A on transcript NM_000059.4 (MANE Select); coding-DNA position 8693, T replaced by A.
Protein change: p.Leu2898Ter; replaces leucine 2898 with a stop codon.
Molecular consequence: nonsense. On other transcripts: non-coding transcript variant (1).
Genome position (GRCh38, 1-based): chr13:32,376,730, T>A. VCF-style: chr13-32376730-T-A. GRCh37 (hg19) VCF-style: chr13-32950867-T-A.
Other names: c.8597T>A, p.Leu2866Ter (NM_001406719.1); c.8693T>A, p.Leu2898Ter (NM_001406720.1, NM_001432077.1); c.3761T>A, p.Leu1254Ter (NM_001406721.1); c.2276T>A, p.Leu759Ter (NM_001406722.1); short protein forms L1254*, L2866*, L2898*, L759*.
Identifiers: ClinVar variation 3773539 (VCV003773539.1).

ClinVar aggregate classification (germline): Pathogenic (1 of 4 stars; one submission).

Conditions:
Breast-ovarian cancer, familial, susceptibility to, 2 (BROVCA2). Also called: BRCA2 Hereditary Breast and Ovarian Cancer. Identifiers: Orphanet 145, MedGen C2675520, MONDO:0012933, OMIM 612555. Disease mechanism: loss of function.

Submission:

Myriad Genetics, Inc.
Classification: Pathogenic for Breast-ovarian cancer, familial, susceptibility to, 2. Last evaluated: 2024-12-05. Review status: criteria provided, single submitter. Criteria: Myriad Autosomal Dominant, Autosomal Recessive and X-Linked Classification Criteria (2023). Collection method: clinical testing. Allele origin: unknown.
Comment: This variant is considered pathogenic. This variant creates a termination codon and is predicted to result in premature protein truncation.